The following is an entry in ClinVar:

NM_000302.4(PLOD1):c.1229G>A (p.Arg410Gln)

Gene: PLOD1 (procollagen-lysine,2-oxoglutarate 5-dioxygenase 1; plus strand). Cytogenetic location: 1p36.22.
Variant type: single nucleotide variant.
Coding change: c.1229G>A on transcript NM_000302.4 (MANE Select); coding-DNA position 1229, G replaced by A.
Protein change: p.Arg410Gln; replaces arginine 410 with glutamine.
Molecular consequence: missense variant.
Genome position (GRCh38, 1-based): chr1:11,964,201, G>A. VCF-style: chr1-11964201-G-A. GRCh37 (hg19) VCF-style: chr1-12024258-G-A.
Other names: c.1370G>A, p.Arg457Gln (NM_001316320.2); short protein forms R410Q, R457Q.
Identifiers: ClinVar variation 423152 (VCV000423152.8), dbSNP rs371001571, ClinGen allele CA598336.
Genomic context (GRCh38, chr1:11,964,201, plus strand): 5'-AGCGACCTCCTACTGAGGTGCTCCCTTCCCTCAGGAACGTCATTGCCCCGCTGATGACCC[G>A]GCATGGGAGGCTGTGGTCGAACTTCTGGGGGGCTCTCAGTGCAGATGGCTACTATGCCCG-3'
Protein context (NP_000293.2, residues 400-420): NKNVIAPLMT[Arg410Gln]HGRLWSNFWG

ClinVar aggregate classification (germline): Uncertain significance. Review status: criteria provided, multiple submitters, no conflicts (2 of 4 stars). 3 submissions from 3 submitters: Uncertain significance (3). Last evaluated 2024-11-13.

Conditions:
Ehlers-Danlos syndrome, kyphoscoliotic type 1 (EDSKSCL1). Also called: Ehlers-Danlos syndrome, hydroxylysine-deficient; EHLERS-DANLOS SYNDROME, TYPE VIA; EHLERS-DANLOS SYNDROME, OCULAR-SCOLIOTIC TYPE; PLOD1-Related Kyphoscoliotic Ehlers-Danlos Syndrome. Identifiers: Orphanet 1900, MedGen C0268342, MONDO:0016002, OMIM 225400. Disease mechanism: loss of function.
Familial thoracic aortic aneurysm and aortic dissection (TAAD). Also called: Thoracic aortic aneurysms and dissections. Identifiers: Orphanet 91387, MedGen C4707243, MONDO:0019625.

Allele frequency attached by ClinVar (database versions not stated): gnomAD below 0.00001 and 0.00002; TOPMed 0.00001; ExAC 0.00004; gnomAD exomes 0.00005; ESP Exome Variant Server 0.00008.
gnomAD v4.1: 33 of 1,613,768 alleles (0.002%); highest among the groups gnomAD compares: South Asian, 0.018%; no homozygotes.

Submissions (3):

Ambry Genetics
Classification: Uncertain significance for Familial thoracic aortic aneurysm and aortic dissection. Last evaluated: 2024-11-13. Review status: criteria provided, single submitter. Criteria: Ambry Variant Classification Scheme 2023. Collection method: clinical testing. Allele origin: germline.

Labcorp Genetics (formerly Invitae), Labcorp
Classification: Uncertain significance for Ehlers-Danlos syndrome, kyphoscoliotic type 1. Last evaluated: 2022-03-23. Review status: criteria provided, single submitter. Criteria: Invitae Variant Classification Sherloc (09022015). Collection method: clinical testing. Allele origin: germline.
Comment: This sequence change replaces arginine, which is basic and polar, with glutamine, which is neutral and polar, at codon 410 of the PLOD1 protein (p.Arg410Gln). This variant is present in population databases (rs371001571, gnomAD 0.04%). This variant has not been reported in the literature in individuals affected with PLOD1-related conditions. ClinVar contains an entry for this variant (Variation ID: 423152). Algorithms developed to predict the effect of missense changes on protein structure and function (SIFT, PolyPhen-2, Align-GVGD) all suggest that this variant is likely to be tolerated. Algorithms developed to predict the effect of sequence changes on RNA splicing suggest that this variant may create or strengthen a splice site. In summary, the available evidence is currently insufficient to determine the role of this variant in disease. Therefore, it has been classified as a Variant of Uncertain Significance.

GeneDx
Classification: Uncertain significance. Last evaluated: 2017-02-13. Review status: criteria provided, single submitter. Criteria: GeneDx Variant Classification (06012015). Collection method: clinical testing. Allele origin: germline. Affected: yes.
Comment: The R410Q variant in the PLOD1 gene has not been reported previously as a germline pathogenic variant, nor as a benign variant, to our knowledge. The R410Q variant is not observed at a significant frequency in large population cohorts (Lek et al., 2016; 1000 Genomes Consortium et al., 2015; Exome Variant Server). The R410Q variant is a semi-conservative amino acid substitution, which may impact secondary protein structure as these residues differ in some properties. This substitution occurs at a position that is conserved across species, and in silico analysis predicts this variant is probably damaging to the protein structure/function. We interpret R410Q as a variant of uncertain significance.